The following is an entry in ClinVar:

ClinVar aggregate classification (germline): Uncertain significance (1 of 4 stars; one submission).

Allele frequency attached by ClinVar (database versions not stated): gnomAD 0.00001 and 0.00002; TOPMed 0.00003.

Submission:

Labcorp Genetics (formerly Invitae), Labcorp
Classification: Uncertain significance. Last evaluated: 2023-11-13. Review status: criteria provided, single submitter. Criteria: Invitae Variant Classification Sherloc (09022015). Collection method: clinical testing. Allele origin: germline.
Comment: This sequence change replaces glycine, which is neutral and non-polar, with aspartic acid, which is acidic and polar, at codon 13 of the FGF20 protein (p.Gly13Asp). This variant is present in population databases (no rsID available, gnomAD 0.02%). This variant has not been reported in the literature in individuals affected with FGF20-related conditions. ClinVar contains an entry for this variant (Variation ID: 1491102). An algorithm developed to predict the effect of missense changes on protein structure and function (PolyPhen-2) suggests that this variant is likely to be disruptive. In summary, the available evidence is currently insufficient to determine the role of this variant in disease. Therefore, it has been classified as a Variant of Uncertain Significance.

NM_019851.3(FGF20):c.38G>A (p.Gly13Asp)

Gene: FGF20 (fibroblast growth factor 20; minus strand). Cytogenetic location: 8p22.
Variant type: single nucleotide variant.
Coding change: c.38G>A on transcript NM_019851.3 (MANE Select); coding-DNA position 38, G replaced by A.
Protein change: p.Gly13Asp; replaces glycine 13 with aspartic acid.
Molecular consequence: missense variant.
Genome position (GRCh38, 1-based): chr8:17,001,995, C>T on the plus strand (G>A on the coding strand, the complement: FGF20 is on the minus strand). VCF-style: chr8-17001995-C-T. GRCh37 (hg19) VCF-style: chr8-16859504-C-T.
Other names: short protein forms G13D.
Identifiers: ClinVar variation 1491102 (VCV001491102.6), dbSNP rs940371952, ClinGen allele CA172915232.